The following is an entry in ClinVar:

ClinVar aggregate classification (germline): Uncertain significance. Review status: criteria provided, multiple submitters, no conflicts (2 of 4 stars). 2 submissions from 2 submitters: Uncertain significance (2). Last evaluated 2024-12-12.

Conditions:
CD96-related disorder. Also called: CD96-related condition.

Submissions (2):

PreventionGenetics, part of Exact Sciences
Classification: Uncertain significance for CD96-related condition. Last evaluated: 2024-12-12. Review status: criteria provided, single submitter. Criteria: ACMG Guidelines, 2015. Collection method: clinical testing. Allele origin: germline.
Comment: The CD96 c.813_821delinsTTAGCTTGTGGAAATTAAC variant is predicted to result in premature protein termination (p.Pro272*). To our knowledge, this variant has not been reported in the literature or in a large population database (gnomAD), indicating this variant is rare. Loss of function is not an established mechanism of CD96-related disease. At this time, the clinical significance of this variant is uncertain due to the absence of conclusive functional and genetic evidence.

Women's Health and Genetics/Laboratory Corporation of America, LabCorp
Classification: Uncertain significance. Last evaluated: 2024-05-24. Review status: criteria provided, single submitter. Criteria: LabCorp Variant Classification Summary - May 2015. Collection method: clinical testing. Allele origin: germline.
Comment: Variant summary: CD96 c.813_821delins19 (p.Pro272X) results in a premature termination codon, predicted to cause a truncation of the encoded protein or absence of the protein due to nonsense mediated decay, however the molecular mechanism of disease attributed to CD96 is currently unknown. The variant was absent in 1611250 control chromosomes (gnomAD). The available data on variant occurrences in the general population are insufficient to allow any conclusion about variant significance. To our knowledge, no occurrence of c.813_821delins19 in individuals affected with C Syndrome and no experimental evidence demonstrating its impact on protein function have been reported. No submitters have cited clinical-significance assessments for this variant to ClinVar. Based on the evidence outlined above, the variant was classified as uncertain significance.

NM_005816.5(CD96):c.765_773delinsTTAGCTTGTGGAAATTAAC (p.Pro256_Ile258delinsTer)

Gene: CD96 (CD96 molecule; plus strand). Cytogenetic location: 3q13.13.
Variant type: Indel.
Coding change: c.765_773delinsTTAGCTTGTGGAAATTAAC on transcript NM_005816.5 (MANE Select); coding-DNA positions 765 to 773, CCCTGTGAT replaced by TTAGCTTGTGGAAATTAAC.
Protein change: p.Pro256_Ile258delinsTer.
Molecular consequence: nonsense. On other transcripts: non-coding transcript variant (1).
Genome position (GRCh38, 1-based): chr3:111,585,336-111,585,344, CCCTGTGAT replaced by TTAGCTTGTGGAAATTAAC. VCF-style: chr3-111585336-CCCTGTGAT-TTAGCTTGTGGAAATTAAC. GRCh37 (hg19) VCF-style: chr3-111304183-CCCTGTGAT-TTAGCTTGTGGAAATTAAC.
Other names: c.765_773delinsTTAGCTTGTGGAAATTAAC, p.Pro256_Ile258delinsTer (NM_001318889.2, NM_001410800.1); c.813_821delinsTTAGCTTGTGGAAATTAAC, p.Pro272_Ile274delinsTer (NM_198196.3); c.813_821delinsTTAGCTTGTGGAAATTAAC (NM_198196.2).
Identifiers: ClinVar variation 3338015 (VCV003338015.2).